The following is an entry in ClinVar:

ClinVar aggregate classification (germline): Likely pathogenic (1 of 4 stars; one submission).

Conditions:
Dilated cardiomyopathy 1G (CMD1G). Identifiers: Orphanet 154, MedGen C1858763, MONDO:0011400, OMIM 604145.
Autosomal recessive limb-girdle muscular dystrophy type 2J (LGMDR10). Also called: Limb-girdle muscular dystrophy, type 2J; MUSCULAR DYSTROPHY, LIMB-GIRDLE, AUTOSOMAL RECESSIVE 10. Identifiers: Orphanet 140922, MedGen C1837342, MONDO:0012127, OMIM 608807.

Submission:

Labcorp Genetics (formerly Invitae), Labcorp
Classification: Likely pathogenic for Dilated cardiomyopathy 1G; Autosomal recessive limb-girdle muscular dystrophy type 2J. Last evaluated: 2025-03-17. Review status: criteria provided, single submitter. Criteria: Invitae Variant Classification Sherloc (09022015). Collection method: clinical testing. Allele origin: germline.
Comment: This sequence change creates a premature translational stop signal (p.Phe3220Leufs*42) in the TTN gene. While this is not anticipated to result in nonsense mediated decay, it is expected to create a truncated TTN protein. This variant is not present in population databases (gnomAD no frequency). This variant has not been reported in the literature in individuals affected with TTN-related conditions. ClinVar contains an entry for this variant (Variation ID: 2938216). This variant is located in the I band of TTN (PMID: 25589632). Truncating variants in this region have been reported in individuals affected with autosomal recessive centronuclear myopathy (PMID: 23975875, internal data). Truncating variants in this region have also been identified in individuals affected with autosomal dominant dilated cardiomyopathy and/or cardio-related conditions (PMID: 27869827, 32964742, internal data). In summary, the currently available evidence indicates that the variant is pathogenic, but additional data are needed to prove that conclusively. Therefore, this variant has been classified as Likely Pathogenic.

Literature cited by the submitters: PubMed 25589632; PubMed 23975875; PubMed 27869827; PubMed 32964742.

NM_001267550.2(TTN):c.9657del (p.Phe3220fs)

Gene: TTN (titin; minus strand). Cytogenetic location: 2q31.2.
Variant type: Deletion.
Coding change: c.9657del on transcript NM_001267550.2 (MANE Select); coding-DNA position 9657, one base deleted (C; older notation c.9657delC).
Protein change: p.Phe3220fs; shifts the reading frame from phenylalanine 3220.
Molecular consequence: frameshift variant.
Genome position (GRCh38, 1-based): chr2:178,766,427, G deleted on the plus strand (C on the coding strand, the reverse complement: TTN is on the minus strand); the first of 2 consecutive G bases (chr2:178,766,427-178,766,428); deleting either gives the same sequence. VCF-style (leftmost placement, unchanged base first): chr2-178766426-AG-A. GRCh37 (hg19) VCF-style: chr2-179631153-AG-A.
Other names: c.9657del, p.Phe3220fs (NM_001256850.1, NM_133378.4, NM_133379.5); c.9519del, p.Phe3174fs (NM_003319.4, NM_133432.3, NM_133437.4); short protein forms F3220fs, F3174fs.
Identifiers: ClinVar variation 2938216 (VCV002938216.3), dbSNP rs2532268257, ClinGen allele CA2740096290.
Genomic context (GRCh38, chr2:178,766,426, plus strand): 5'-TCTGTCCCTACATACCATTGACATAGAGAGTGACAGAACTCCTGTTCCTTCCTGCCACAA[AG>A]GTGTATTCTCCTGCATCGCTCTGTCTGGTCTCAGAGATAAACATTCGGTGGATTCTTCTT-3'